The following is an entry in ClinVar:

ClinVar aggregate classification (germline): Uncertain significance. Review status: criteria provided, multiple submitters, no conflicts (2 of 4 stars). 2 submissions from 2 submitters: Uncertain significance (2). Last evaluated 2025-11-02.

Conditions:
Cardiovascular phenotype. Identifiers: MedGen CN230736.
Hypertrophic cardiomyopathy. Also called: HYPERTROPHIC MYOCARDIOPATHY. Identifiers: Orphanet 217569, MedGen C0007194, MeSH D002312, MONDO:0005045, HP:0001639.

Submissions (2):

Ambry Genetics
Classification: Uncertain significance for Cardiovascular phenotype. Last evaluated: 2025-11-02. Review status: criteria provided, single submitter. Criteria: Ambry Variant Classification Scheme 2023. Collection method: clinical testing. Allele origin: germline.
Comment: The p.E1010D variant (also known as c.3030G>C), located in coding exon 29 of the MYBPC3 gene, results from a G to C substitution at nucleotide position 3030. The glutamic acid at codon 1010 is replaced by aspartic acid, an amino acid with highly similar properties. This amino acid position is conserved. In addition, this alteration is predicted to be tolerated by in silico analysis. Based on the available evidence, the clinical significance of this variant remains unclear.

Labcorp Genetics (formerly Invitae), Labcorp
Classification: Uncertain significance for Hypertrophic cardiomyopathy. Last evaluated: 2021-12-17. Review status: criteria provided, single submitter. Criteria: Invitae Variant Classification Sherloc (09022015). Collection method: clinical testing. Allele origin: germline.
Comment: This sequence change replaces glutamic acid, which is acidic and polar, with aspartic acid, which is acidic and polar, at codon 1010 of the MYBPC3 protein (p.Glu1010Asp). This variant is not present in population databases (gnomAD no frequency). This variant has not been reported in the literature in individuals affected with MYBPC3-related conditions. Algorithms developed to predict the effect of missense changes on protein structure and function output the following: SIFT: "Tolerated"; PolyPhen-2: "Benign"; Align-GVGD: "Class C0". The aspartic acid amino acid residue is found in multiple mammalian species, which suggests that this missense change does not adversely affect protein function. In summary, the available evidence is currently insufficient to determine the role of this variant in disease. Therefore, it has been classified as a Variant of Uncertain Significance.

NM_000256.3(MYBPC3):c.3030G>C (p.Glu1010Asp)

Gene: MYBPC3 (myosin binding protein C3; minus strand). Cytogenetic location: 11p11.2.
Variant type: single nucleotide variant.
Coding change: c.3030G>C on transcript NM_000256.3 (MANE Select); coding-DNA position 3030, G replaced by C.
Protein change: p.Glu1010Asp; replaces glutamic acid 1010 with aspartic acid.
Molecular consequence: missense variant.
Genome position (GRCh38, 1-based): chr11:47,333,717, C>G on the plus strand (G>C on the coding strand, the complement: MYBPC3 is on the minus strand). VCF-style: chr11-47333717-C-G. GRCh37 (hg19) VCF-style: chr11-47355268-C-G.
Other names: short protein forms E1010D.
Identifiers: ClinVar variation 2044559 (VCV002044559.5), dbSNP rs2495742088, ClinGen allele CA380315577.
Genomic context (GRCh38, chr11:47,333,717, plus strand): 5'-CAGGATGGTGTCTGTGGGGCTGTTGCGGATGCTCACCTCCTCGCCTGCCAGGGGCTGCCC[C>G]TCTTTGGTCCAGGTCACCTGAGGCCGGGGCTTGCCCTGAGGGGAGGAAAAGCTTAACCCT-3'
Protein context (NP_000247.2, residues 1000-1020): KPRPQVTWTK[Glu1010Asp]GQPLAGEEVS